The following is an entry in ClinVar:

ClinVar aggregate classification (germline): Uncertain significance (1 of 4 stars; one submission).

Submission:

GeneDx
Classification: Uncertain significance. Last evaluated: 2024-04-12. Review status: criteria provided, single submitter. Criteria: GeneDx Variant Classification Process June 2021. Collection method: clinical testing. Allele origin: germline. Affected: yes.
Comment: Not observed at significant frequency in large population cohorts (gnomAD); In silico analysis supports that this missense variant has a deleterious effect on protein structure/function; Has not been previously published as pathogenic or benign to our knowledge

NM_170606.3(KMT2C):c.6809A>T (p.Asp2270Val)

Gene: KMT2C (lysine methyltransferase 2C; minus strand). Cytogenetic location: 7q36.1.
Variant type: single nucleotide variant.
Coding change: c.6809A>T on transcript NM_170606.3 (MANE Select); coding-DNA position 6809, A replaced by T.
Protein change: p.Asp2270Val; replaces aspartic acid 2270 with valine.
Molecular consequence: missense variant.
Genome position (GRCh38, 1-based): chr7:152,181,051, T>A on the plus strand (A>T on the coding strand, the complement: KMT2C is on the minus strand). VCF-style: chr7-152181051-T-A. GRCh37 (hg19) VCF-style: chr7-151878136-T-A.
Other names: short protein forms D2270V.
Identifiers: ClinVar variation 3371483 (VCV003371483.1).
Genomic context (GRCh38, chr7:152,181,051, plus strand): 5'-ACACGGCTAAATGTGTCTGAAAGACCAGGTCCAGGGGGCCTAGGTGTCTGGGAACATGTA[T>A]CAGGTGGCCTTACCAACGGGCCAGGTAAAGCTGGTCCTCGGTTTTGTGCTGCTTGCAGGA-3'
Protein context (NP_733751.2, residues 2260-2280): ALPGPLVRPP[Asp2270Val]TCSQTPRPPG